The following is an entry in ClinVar:

ClinVar aggregate classification (germline): Uncertain significance (1 of 4 stars; one submission).

Conditions:
Intellectual disability, autosomal recessive 53 (NEDHSCA). Also called: GLYCOSYLPHOSPHATIDYLINOSITOL BIOSYNTHESIS DEFECT 13; Mental retardation, autosomal recessive 53; NEURODEVELOPMENTAL DISORDER WITH OR WITHOUT HYPOTONIA, SEIZURES, AND CEREBELLAR ATROPHY. Identifiers: Orphanet 488635, MedGen C4310794, MONDO:0014832, OMIM 616917.

gnomAD v4.1: 1 of 1,614,144 alleles (0.000062%); highest among the groups gnomAD compares: South Asian, 0.0011%; no homozygotes.

Submission:

Labcorp Genetics (formerly Invitae), Labcorp
Classification: Uncertain significance for Intellectual disability, autosomal recessive 53. Last evaluated: 2022-08-25. Review status: criteria provided, single submitter. Criteria: Invitae Variant Classification Sherloc (09022015). Collection method: clinical testing. Allele origin: germline.
Comment: This variant has not been reported in the literature in individuals affected with PIGG-related conditions. In summary, the available evidence is currently insufficient to determine the role of this variant in disease. Therefore, it has been classified as a Variant of Uncertain Significance. Algorithms developed to predict the effect of missense changes on protein structure and function are either unavailable or do not agree on the potential impact of this missense change (SIFT: "Tolerated"; PolyPhen-2: "Probably Damaging"; Align-GVGD: "Class C0"). This variant is present in population databases (no rsID available, gnomAD 0.003%). This sequence change replaces methionine, which is neutral and non-polar, with leucine, which is neutral and non-polar, at codon 239 of the PIGG protein (p.Met239Leu).

NM_001127178.3(PIGG):c.715A>T (p.Met239Leu)

Gene: PIGG (phosphatidylinositol glycan anchor biosynthesis class G (EMM blood group); plus strand). Cytogenetic location: 4p16.3.
Variant type: single nucleotide variant.
Coding change: c.715A>T on transcript NM_001127178.3 (MANE Select); coding-DNA position 715, A replaced by T.
Protein change: p.Met239Leu; replaces methionine 239 with leucine.
Molecular consequence: missense variant. On other transcripts: 5 prime UTR variant (4), non-coding transcript variant (10), intron variant (1).
Genome position (GRCh38, 1-based): chr4:507,549, A>T. VCF-style: chr4-507549-A-T. GRCh37 (hg19) VCF-style: chr4-501338-A-T.
Other names: c.448A>T, p.Met150Leu (NM_001289051.2, NM_001289053.2, NM_001289057.2 and 2 more transcripts); c.349A>T, p.Met117Leu (NM_001289055.2); c.-173A>T (NM_001345988.2); c.715A>T, p.Met239Leu (NM_001345989.2, NM_017733.5); c.-911A>T (NM_001345990.2); c.-773A>T (NM_001345991.2); c.-498A>T (NM_001345994.2); c.361-1280A>T (NM_001289052.2); short protein forms M239L, M150L, M117L.
Identifiers: ClinVar variation 2135941 (VCV002135941.4), dbSNP rs1175515888, ClinGen allele CA355897754.